The following is an entry in ClinVar:

NM_001005273.3(CHD3):c.1235G>A (p.Arg412Gln)

Genes: CHD3 (chromodomain helicase DNA binding protein 3; plus strand), LOC126862484 (CDK7 strongly-dependent group 2 enhancer GRCh37_chr17:7797066-7798265; plus strand). Cytogenetic location: 17p13.1.
Variant type: single nucleotide variant.
Coding change: c.1235G>A on transcript NM_001005273.3 (MANE Select); coding-DNA position 1235, G replaced by A.
Protein change: p.Arg412Gln; replaces arginine 412 with glutamine.
Molecular consequence: missense variant.
Genome position (GRCh38, 1-based): chr17:7,894,574, G>A. VCF-style: chr17-7894574-G-A. GRCh37 (hg19) VCF-style: chr17-7797892-G-A.
Other names: c.1412G>A, p.Arg471Gln (NM_001005271.3); c.1235G>A, p.Arg412Gln (NM_005852.4); short protein forms R471Q, R412Q.
Identifiers: ClinVar variation 2567607 (VCV002567607.5), dbSNP rs147796138, ClinGen allele CA8362618.

ClinVar aggregate classification (germline): Conflicting classifications of pathogenicity. Review status: criteria provided, conflicting classifications (1 of 4 stars). 3 submissions from 3 submitters: Uncertain significance (1); Likely benign (1). 1 of the submissions does not count toward it. Last evaluated 2023-08-01.

Conditions:
CHD3-related disorder. Also called: CHD3-related condition.
Snijders Blok-Campeau syndrome. Also called: INTELLECTUAL DEVELOPMENTAL DISORDER WITH MACROCEPHALY, SPEECH DELAY, AND DYSMORPHIC FACIES. Identifiers: Orphanet 599082, MedGen C4748701, MONDO:0032600, OMIM 618205.
Inborn genetic diseases. Identifiers: MedGen C0950123, MeSH D030342.

Allele frequency attached by ClinVar (database versions not stated): ExAC 0.00006; ESP Exome Variant Server 0.00008; gnomAD exomes 0.00013; TOPMed 0.00013.
gnomAD v4.1: 216 of 1,613,692 alleles (0.013%); highest among the groups gnomAD compares: Middle Eastern, 0.016%; no homozygotes.

Submissions (3):

Pittsburgh Clinical Genomics Laboratory, University of Pittsburgh Medical Center
Classification: Uncertain significance for Snijders Blok-Campeau syndrome. Last evaluated: 2023-08-01. Review status: criteria provided, single submitter. Criteria: ACMG Guidelines, 2015. Collection method: clinical testing. Allele origin: germline. Inheritance: Autosomal dominant inheritance. Affected: yes.
Comment: This sequence variant is a single nucleotide substitution (G>A) at position 1412 of the coding sequence of the CHD3 gene that results in an arginine to glutamine amino acid change at residue 471 of the CHD3 protein. This residue falls within the zinc finger domain (Uniprot) which plays an important role in CHD3 function. This variant is absent from ClinVar but is present in 16 of 282576 alleles (0.0057%) in the gnomAD population dataset. Multiple bioinformatic tools predict that this arginine to glutamine amino acid change would be neutral, and the Arg471 residue at this position is highly conserved across the mammalian species examined. Studies examining the functiol consequence of this variant have not been performed, to our knowledge. At this time, there is insufficient evidence to determine if this variant is pathogenic or benign. Therefore, we consider this a variant of uncertain significance. ACMG Criteria: BP4

Ambry Genetics
Classification: Likely benign for Inborn genetic diseases. Last evaluated: 2023-05-31. Review status: criteria provided, single submitter. Criteria: Ambry Variant Classification Scheme 2023. Collection method: clinical testing. Allele origin: germline.

PreventionGenetics, part of Exact Sciences
Classification: Likely benign for CHD3-related condition. Last evaluated: 2023-09-11. Review status: no assertion criteria provided. Collection method: clinical testing. Allele origin: germline. Not counted in ClinVar's aggregate classification.
Comment: This variant is classified as likely benign based on ACMG/AMP sequence variant interpretation guidelines (Richards et al. 2015 PMID: 25741868, with internal and published modifications).